The following is an entry in ClinVar:

ClinVar aggregate classification (germline): Pathogenic (1 of 4 stars; one submission).

Conditions:
Galactosylceramide beta-galactosidase deficiency. Also called: Leukodystrophy, Globoid Cell; GALACTOCEREBROSIDASE DEFICIENCY; GALC DEFICIENCY; GLOBOID CELL LEUKOENCEPHALOPATHY; Krabbe Disease. Identifiers: Orphanet 487, MedGen C0023521, MONDO:0009499, OMIM 245200.

Submission:

Labcorp Genetics (formerly Invitae), Labcorp
Classification: Pathogenic for Galactosylceramide beta-galactosidase deficiency. Last evaluated: 2023-08-21. Review status: criteria provided, single submitter. Criteria: Invitae Variant Classification Sherloc (09022015). Collection method: clinical testing. Allele origin: germline.
Comment: This sequence change creates a premature translational stop signal (p.Trp598*) in the GALC gene. It is expected to result in an absent or disrupted protein product. Loss-of-function variants in GALC are known to be pathogenic (PMID: 7437911, 9272171, 16607461). This variant is not present in population databases (gnomAD no frequency). This variant has not been reported in the literature in individuals affected with GALC-related conditions. ClinVar contains an entry for this variant (Variation ID: 837302). Algorithms developed to predict the effect of sequence changes on RNA splicing suggest that this variant may disrupt the consensus splice site. For these reasons, this variant has been classified as Pathogenic.

Literature cited by the submitters: PubMed 7437911; PubMed 9272171; PubMed 16607461.

NM_000153.4(GALC):c.1793G>A (p.Trp598Ter)

Gene: GALC (galactosylceramidase; minus strand). Cytogenetic location: 14q31.3.
Variant type: single nucleotide variant.
Coding change: c.1793G>A on transcript NM_000153.4 (MANE Select); coding-DNA position 1793, G replaced by A.
Protein change: p.Trp598Ter; replaces tryptophan 598 with a stop codon.
Molecular consequence: nonsense.
Genome position (GRCh38, 1-based): chr14:87,941,436, C>T on the plus strand (G>A on the coding strand, the complement: GALC is on the minus strand). VCF-style: chr14-87941436-C-T. GRCh37 (hg19) VCF-style: chr14-88407780-C-T.
Other names: c.1724G>A, p.Trp575Ter (NM_001201401.2); c.1715G>A, p.Trp572Ter (NM_001201402.2); short protein forms W572*, W575*, W598*.
Identifiers: ClinVar variation 837302 (VCV000837302.8), dbSNP rs1884845930, ClinGen allele CA390745666.